The following is an entry in ClinVar:

ClinVar aggregate classification (germline): Uncertain significance (1 of 4 stars; one submission).

Allele frequency attached by ClinVar (database versions not stated): TOPMed below 0.00001; gnomAD 0.00001.
gnomAD v4.1: 2 of 1,600,200 alleles (0.00012%); highest among the groups gnomAD compares: Admixed American, 0.0017%; no homozygotes.

Submission:

GeneDx
Classification: Uncertain significance. Last evaluated: 2023-02-17. Review status: criteria provided, single submitter. Criteria: GeneDx Variant Classification Process June 2021. Collection method: clinical testing. Allele origin: germline. Affected: yes.
Comment: Not observed at significant frequency in large population cohorts (gnomAD); In silico analysis supports that this missense variant has a deleterious effect on protein structure/function; Has not been previously published as pathogenic or benign to our knowledge

NM_001854.4(COL11A1):c.1418C>T (p.Pro473Leu)

Gene: COL11A1 (collagen type XI alpha 1 chain; minus strand). Cytogenetic location: 1p21.1.
Variant type: single nucleotide variant.
Coding change: c.1418C>T on transcript NM_001854.4 (MANE Select); coding-DNA position 1418, C replaced by T.
Protein change: p.Pro473Leu; replaces proline 473 with leucine.
Molecular consequence: missense variant. On other transcripts: non-coding transcript variant (1).
Genome position (GRCh38, 1-based): chr1:103,015,738, G>A on the plus strand (C>T on the coding strand, the complement: COL11A1 is on the minus strand). VCF-style: chr1-103015738-G-A. GRCh37 (hg19) VCF-style: chr1-103481294-G-A.
Other names: c.1070C>T, p.Pro357Leu (NM_080630.4, NM_001168249.1); c.1301C>T, p.Pro434Leu (NM_001190709.2); c.1454C>T, p.Pro485Leu (NM_080629.3); short protein forms P357L, P434L, P473L, P485L.
Identifiers: ClinVar variation 2577607 (VCV002577607.1), dbSNP rs1440070692, ClinGen allele CA341179584.